The following is an entry in ClinVar:

ClinVar aggregate classification (germline): Uncertain significance (1 of 4 stars; one submission).

gnomAD v4.1: 3 of 1,614,120 alleles (0.00019%); highest among the groups gnomAD compares: Non-Finnish European, 0.00017%; no homozygotes.

Submission:

Labcorp Genetics (formerly Invitae), Labcorp
Classification: Uncertain significance. Last evaluated: 2024-11-05. Review status: criteria provided, single submitter. Criteria: Invitae Variant Classification Sherloc (09022015). Collection method: clinical testing. Allele origin: germline.
Comment: This sequence change replaces methionine, which is neutral and non-polar, with threonine, which is neutral and polar, at codon 977 of the EMC1 protein (p.Met977Thr). This variant is not present in population databases (gnomAD no frequency). This variant has not been reported in the literature in individuals affected with EMC1-related conditions. Invitae Evidence Modeling of protein sequence and biophysical properties (such as structural, functional, and spatial information, amino acid conservation, physicochemical variation, residue mobility, and thermodynamic stability) indicates that this missense variant is expected to disrupt EMC1 protein function with a positive predictive value of 80%. In summary, the available evidence is currently insufficient to determine the role of this variant in disease. Therefore, it has been classified as a Variant of Uncertain Significance.

NM_015047.3(EMC1):c.2930T>C (p.Met977Thr)

Genes: EMC1 (ER membrane protein complex subunit 1; minus strand), EMC1-AS1 (EMC1 antisense RNA 1; plus strand). Cytogenetic location: 1p36.13.
Variant type: single nucleotide variant.
Coding change: c.2930T>C on transcript NM_015047.3 (MANE Select); coding-DNA position 2930, T replaced by C.
Protein change: p.Met977Thr; replaces methionine 977 with threonine.
Molecular consequence: missense variant.
Genome position (GRCh38, 1-based): chr1:19,219,355, A>G on the plus strand (T>C on the coding strand, the complement: EMC1 is on the minus strand). VCF-style: chr1-19219355-A-G. GRCh37 (hg19) VCF-style: chr1-19545849-A-G.
Other names: c.2927T>C, p.Met976Thr (NM_001271428.2, NM_001271427.2); c.2864T>C, p.Met955Thr (NM_001271429.2); c.2939T>C, p.Met980Thr (NM_001375820.1); c.2936T>C, p.Met979Thr (NM_001375821.1); short protein forms M976T, M977T, M979T, M980T, M955T.
Identifiers: ClinVar variation 3685320 (VCV003685320.2).
Genomic context (GRCh38, chr1:19,219,355, plus strand): 5'-TTTGTTCTTTATCGCCAGGCCCGATTCAGGAGCTTCACCTGTGCCAGTCTCTTAGTGATC[A>G]TGGTGGCAAAAACCAGGCCAAAGAGGACGCTGCTGATTAACACGTAGTCATAGTCATCCT-3'
Protein context (NP_055862.1, residues 967-987): SVLFGLVFAT[Met977Thr]ITKRLAQVKL